The following is an entry in ClinVar:

NM_001184880.2(PCDH19):c.244dup (p.Val82fs)

Gene: PCDH19 (protocadherin 19; minus strand). Cytogenetic location: Xq22.1.
Variant type: Duplication.
Coding change: c.244dup on transcript NM_001184880.2 (MANE Select); coding-DNA position 244, one base duplicated (G; older notation c.244dupG).
Protein change: p.Val82fs; shifts the reading frame from valine 82.
Molecular consequence: frameshift variant.
Genome position (GRCh38, 1-based): chrX:100,408,354, C duplicated on the plus strand (G on the coding strand, the reverse complement: PCDH19 is on the minus strand); the first of 2 consecutive C bases (chrX:100,408,354-100,408,355); duplicating either gives the same sequence. VCF-style (leftmost placement, unchanged base first): chrX-100408353-A-AC. GRCh37 (hg19) VCF-style: chrX-99663351-A-AC.
Other names: c.244dup, p.Val82fs (NM_001105243.2, NM_020766.3); short protein forms V82fs.
Identifiers: ClinVar variation 961005 (VCV000961005.8), dbSNP rs1928471120, ClinGen allele CA1139667698.

ClinVar aggregate classification (germline): Pathogenic (1 of 4 stars; one submission).

Conditions:
Developmental and epileptic encephalopathy, 9 (DEE9). Also called: EPILEPSY, FEMALE-RESTRICTED, WITH MENTAL RETARDATION; Early infantile epileptic encephalopathy 9; JUBERG-HELLMAN SYNDROME; PCDH19-Related X-Linked Female-Limited Epilepsy with Mental Retardation. Identifiers: Orphanet 101039, Orphanet 2076, MedGen C1848137, MONDO:0010246, OMIM 300088. Disease mechanism: loss of function.

Submission:

Labcorp Genetics (formerly Invitae), Labcorp
Classification: Pathogenic for Developmental and epileptic encephalopathy, 9. Last evaluated: 2019-08-26. Review status: criteria provided, single submitter. Criteria: Invitae Variant Classification Sherloc (09022015). Collection method: clinical testing. Allele origin: germline.
Comment: Loss-of-function variants in PCDH19 are known to be pathogenic (PMID: 21053371). For these reasons, this variant has been classified as Pathogenic. This variant has not been reported in the literature in individuals with PCDH19-related conditions. This sequence change creates a premature translational stop signal (p.Val82Glyfs*7) in the PCDH19 gene. It is expected to result in an absent or disrupted protein product. This variant is not present in population databases (ExAC no frequency).

Literature cited by the submitters: PubMed 21053371.